The following is an entry in ClinVar:

NM_000540.3(RYR1):c.5988C>T (p.Arg1996=)

Gene: RYR1 (ryanodine receptor 1; plus strand). Cytogenetic location: 19q13.2.
Variant type: single nucleotide variant.
Coding change: c.5988C>T on transcript NM_000540.3 (MANE Select); coding-DNA position 5988, C replaced by T.
Protein change: p.Arg1996=; no amino-acid change (arginine 1996 retained).
Molecular consequence: synonymous variant.
Genome position (GRCh38, 1-based): chr19:38,490,249, C>T. VCF-style: chr19-38490249-C-T. GRCh37 (hg19) VCF-style: chr19-38980889-C-T.
Other names: c.5988C>T, p.Arg1996= (NM_001042723.2).
Identifiers: ClinVar variation 133154 (VCV000133154.3), dbSNP rs193922787, ClinGen allele CA024548.

ClinVar aggregate classification (germline): Likely pathogenic. Review status: criteria provided, single submitter (1 of 4 stars). 2 submissions from 2 submitters: Likely pathogenic (1). 1 of the submissions does not count toward it.

Conditions:
Congenital multicore myopathy with external ophthalmoplegia (CMYO1B). Also called: MULTICORE MYOPATHY; Minicore myopathy with external ophthalmoplegia; Congenital myopathy 1B, autosomal recessive; Minicore myopathy; MULTIMINICORE DISEASE WITH EXTERNAL OPHTHALMOPLEGIA. Identifiers: Orphanet 598, Orphanet 98905, MedGen C1850674, MONDO:0009712, OMIM 255320, HP:0003789.
King Denborough syndrome (KDS). Identifiers: MedGen C1840365, MONDO:0020485, OMIM 619542.
Central core myopathy (CMYO1A). Also called: Central core disease; Myopathy, central fibrillar; CONGENITAL MYOPATHY 1A, AUTOSOMAL DOMINANT, WITH SUSCEPTIBILITY TO MALIGNANT HYPERTHERMIA. Identifiers: Orphanet 597, MedGen C5830701, MONDO:0007294, OMIM 117000.
Malignant hyperthermia, susceptibility to, 1 (MHS1). Also called: RYR1-Related Malignant Hyperthermia Susceptibility; Malignant hyperthermia suceptibility 1; Anesthesia related hyperthermia; Malignant hyperpyrexia; Fulminating hyperpyrexia; Pharmacogenic myopathy. Identifiers: Orphanet 423, MedGen C2930980, MONDO:0007783, OMIM 145600.

Allele frequency attached by ClinVar (database versions not stated): gnomAD exomes below 0.00001.
gnomAD v4.1: 2 of 1,614,104 alleles (0.00012%); highest among the groups gnomAD compares: Non-Finnish European, 0.00017%; no homozygotes.

Submissions (2):

Center for Genomics, Ann and Robert H. Lurie Children's Hospital of Chicago
Classification: Likely pathogenic for Central core myopathy; King Denborough syndrome; Malignant hyperthermia, susceptibility to, 1; Congenital multicore myopathy with external ophthalmoplegia. Review status: criteria provided, single submitter. Criteria: ACMG Guidelines, 2015. Collection method: clinical testing. Allele origin: germline.
Comment: RYR1 NM_000540.2 exon 36 p.Arg1996= (c.5988C>T): This variant has not been reported in the literature and is not present in large control databases. This variant is present in ClinVar, but without additional information (Variation ID:133154). Evolutionary conservation and computational predictive tools for this variant are limited or unavailable. Of note, computational tools designed to predict splicing suggest that this variant may generate an alternate 5' splice site at this location. However, further studies are needed to understand its impact. Of note, this variant is a silent variant and does not change the amino acid. In summary, data on this variant is highly suspicious for disease, but requires further evidence for pathogenicity. Therefore, this variant is classified as likely pathogenic.

RYR1 database
No classification provided. Review status: no classification provided. Collection method: not provided. Allele origin: unknown. Not counted in ClinVar's aggregate classification.